The following is an entry in ClinVar:

NM_004628.5(XPC):c.919C>T (p.Arg307Trp)

Gene: XPC (XPC complex subunit, DNA damage recognition and repair factor; minus strand). Cytogenetic location: 3p25.1.
Variant type: single nucleotide variant.
Coding change: c.919C>T on transcript NM_004628.5 (MANE Select); coding-DNA position 919, C replaced by T.
Protein change: p.Arg307Trp; replaces arginine 307 with tryptophan.
Molecular consequence: missense variant. On other transcripts: non-coding transcript variant (2).
Genome position (GRCh38, 1-based): chr3:14,159,812, G>A on the plus strand (C>T on the coding strand, the complement: XPC is on the minus strand). VCF-style: chr3-14159812-G-A. GRCh37 (hg19) VCF-style: chr3-14201312-G-A.
Other names: c.340C>T, p.Arg114Trp (NM_001354726.2); c.919C>T, p.Arg307Trp (NM_001354727.2, NM_001354730.2); c.901C>T, p.Arg301Trp (NM_001354729.2); short protein forms R114W, R301W, R307W.
Identifiers: ClinVar variation 2431722 (VCV002431722.1), dbSNP rs367961191, ClinGen allele CA69754619.

ClinVar aggregate classification (germline): Uncertain significance (1 of 4 stars; one submission).

Conditions:
Xeroderma pigmentosum, group C (XPC). Also called: Xeroderma pigmentosum, complementation group C; XERODERMA PIGMENTOSUM III; XP, GROUP C; XPC-Related Xeroderma Pigmentosum. Identifiers: Orphanet 910, MedGen C2752147, MONDO:0010211, OMIM 278720.

Allele frequency attached by ClinVar (database versions not stated): gnomAD exomes 0.00002; TOPMed 0.00003; gnomAD 0.00004; ESP Exome Variant Server 0.00008.

Submission:

Laboratorio de Genetica e Diagnostico Molecular, Hospital Israelita Albert Einstein
Classification: Uncertain significance for Xeroderma pigmentosum, group C. Last evaluated: 2022-10-29. Review status: criteria provided, single submitter. Criteria: ACMG Guidelines, 2015. Collection method: clinical testing. Allele origin: germline. Affected: yes. Observed: 1 variant allele.
Comment: ACMG classification criteria: PM2 supporting